The following is an entry in ClinVar:

NM_001363514.2(DUSP13B):c.875G>A (p.Cys292Tyr)

Gene: DUSP13B (dual specificity phosphatase 13B; minus strand). Cytogenetic location: 10q22.2.
Variant type: single nucleotide variant.
Coding change: c.875G>A on transcript NM_001363514.2 (MANE Select); coding-DNA position 875, G replaced by A.
Protein change: p.Cys292Tyr; replaces cysteine 292 with tyrosine.
Molecular consequence: missense variant.
Genome position (GRCh38, 1-based): chr10:75,094,806, C>T on the plus strand (G>A on the coding strand, the complement: DUSP13B is on the minus strand). VCF-style: chr10-75094806-C-T. GRCh37 (hg19) VCF-style: chr10-76854564-C-T.
Other names: c.617G>A, p.Cys206Tyr (NM_001007272.2); c.746G>A, p.Cys249Tyr (NM_001007273.2, NM_001320842.2); c.467G>A, p.Cys156Tyr (NM_001320843.2, NM_016364.3); short protein forms C156Y, C206Y, C249Y, C292Y.
Identifiers: ClinVar variation 1179558 (VCV001179558.2), dbSNP rs3088142, ClinGen allele CA5565624.
Genomic context (GRCh38, chr10:75,094,806, plus strand): 5'-GGGCAGATATTGCGGTGGGCCTGCACCGTCTGGATGGCCTCTACCAGCGTCATGTTCTCA[C>T]AGATCATGAGGAAGGCCAGGACAAGTGTGGCAGAGCGGCTTACCCCCATGGCACAGTGTA-3'
Protein context (NP_001350443.1, residues 282-302): ATLVLAFLMI[Cys292Tyr]ENMTLVEAIQ

ClinVar aggregate classification (germline): Benign (1 of 4 stars; one submission).

Allele frequency attached by ClinVar (database versions not stated): gnomAD exomes 0.44929 and 0.52734; ESP Exome Variant Server 0.50484; ExAC 0.51908; gnomAD 0.52666 and 0.53016; TOPMed 0.55499; 1000 Genomes Project 30x 0.64085; 1000 Genomes Project 0.64177.
gnomAD v4.1: 739,062 of 1,613,762 alleles (46%); highest among the groups gnomAD compares: East Asian, 91%; 179,702 homozygotes.

Submission:

GeneDx
Classification: Benign. Last evaluated: 2020-02-17. Review status: criteria provided, single submitter. Criteria: GeneDx Variant Classification Process June 2021. Collection method: clinical testing. Allele origin: germline. Affected: yes.
Comment: This variant is associated with the following publications: (PMID: 21085059)